The following is an entry in ClinVar:

ClinVar aggregate classification (germline): Likely pathogenic (1 of 4 stars; one submission).

Allele frequency attached by ClinVar (database versions not stated): gnomAD 0.00001.

Submission:

Labcorp Genetics (formerly Invitae), Labcorp
Classification: Likely pathogenic. Last evaluated: 2023-01-03. Review status: criteria provided, single submitter. Criteria: Invitae Variant Classification Sherloc (09022015). Collection method: clinical testing. Allele origin: germline.
Comment: This variant is present in population databases (no rsID available, gnomAD 0.001%). In summary, the currently available evidence indicates that the variant is pathogenic, but additional data are needed to prove that conclusively. Therefore, this variant has been classified as Likely Pathogenic. Algorithms developed to predict the effect of sequence changes on RNA splicing suggest that this variant may disrupt the consensus splice site. This variant has not been reported in the literature in individuals affected with PI4KA-related conditions. This sequence change affects a donor splice site in intron 33 of the PI4KA gene. It is expected to disrupt RNA splicing. Variants that disrupt the donor or acceptor splice site typically lead to a loss of protein function (PMID: 16199547), and loss-of-function variants in PI4KA are known to be pathogenic (PMID: 34415322).

Literature cited by the submitters: PubMed 16199547; PubMed 34415322.

NM_058004.4(PI4KA):c.3900+1G>A

Gene: PI4KA (phosphatidylinositol 4-kinase alpha; minus strand). Cytogenetic location: 22q11.21.
Variant type: single nucleotide variant.
Coding change: c.3900+1G>A on transcript NM_058004.4 (MANE Select); the canonical splice donor site of the intron after coding-DNA position 3900, G replaced by A.
Molecular consequence: splice donor variant.
Genome position (GRCh38, 1-based): chr22:20,734,394, C>T on the plus strand (G>A on the coding strand, the complement: PI4KA is on the minus strand). VCF-style: chr22-20734394-C-T. GRCh37 (hg19) VCF-style: chr22-21088682-C-T.
Other names: c.3834+1G>A (NM_001362863.2); c.3807+1G>A (NM_001362862.2).
Identifiers: ClinVar variation 2826047 (VCV002826047.3), dbSNP rs1487424685, ClinGen allele CA410756264.